The following is an entry in ClinVar:

ClinVar aggregate classification (germline): Uncertain significance (1 of 4 stars; one submission).

Conditions:
ALG12-congenital disorder of glycosylation (CDG1G). Also called: CDG Ig; ALG12-CDG; Congenital disorder of glycosylation, type Ig. Identifiers: Orphanet 79324, MedGen C2931001, MONDO:0011783, OMIM 607143.

Allele frequency attached by ClinVar (database versions not stated): gnomAD exomes below 0.00001.
gnomAD v4.1: 1 of 1,613,992 alleles (0.000062%); highest among the groups gnomAD compares: Non-Finnish European, 0.000085%; no homozygotes.

Submission:

Labcorp Genetics (formerly Invitae), Labcorp
Classification: Uncertain significance for ALG12-congenital disorder of glycosylation. Last evaluated: 2022-03-23. Review status: criteria provided, single submitter. Criteria: Invitae Variant Classification Sherloc (09022015). Collection method: clinical testing. Allele origin: germline.
Comment: This sequence change replaces glutamic acid, which is acidic and polar, with glutamine, which is neutral and polar, at codon 59 of the ALG12 protein (p.Glu59Gln). This variant is not present in population databases (gnomAD no frequency). This variant has not been reported in the literature in individuals affected with ALG12-related conditions. Algorithms developed to predict the effect of missense changes on protein structure and function are either unavailable or do not agree on the potential impact of this missense change (SIFT: "Tolerated"; PolyPhen-2: "Probably Damaging"; Align-GVGD: "Class C0"). In summary, the available evidence is currently insufficient to determine the role of this variant in disease. Therefore, it has been classified as a Variant of Uncertain Significance.

NM_024105.4(ALG12):c.175G>C (p.Glu59Gln)

Gene: ALG12 (ALG12 alpha-1,6-mannosyltransferase; minus strand). Cytogenetic location: 22q13.33.
Variant type: single nucleotide variant.
Coding change: c.175G>C on transcript NM_024105.4 (MANE Select); coding-DNA position 175, G replaced by C.
Protein change: p.Glu59Gln; replaces glutamic acid 59 with glutamine.
Molecular consequence: missense variant.
Genome position (GRCh38, 1-based): chr22:49,913,505, C>G on the plus strand (G>C on the coding strand, the complement: ALG12 is on the minus strand). VCF-style: chr22-49913505-C-G. GRCh37 (hg19) VCF-style: chr22-50307153-C-G.
Other names: short protein forms E59Q.
Identifiers: ClinVar variation 1902273 (VCV001902273.2), dbSNP rs2519275120, ClinGen allele CA412080307.